The following is an entry in ClinVar:

ClinVar aggregate classification (germline): Likely benign (1 of 4 stars; one submission).

Allele frequency attached by ClinVar (database versions not stated): gnomAD exomes 0.00050; gnomAD 0.00091; ExAC 0.00114; TOPMed 0.00116; 1000 Genomes Project 30x 0.00156; 1000 Genomes Project 0.00399.
gnomAD v4.1: 852 of 1,611,914 alleles (0.053%); highest among the groups gnomAD compares: East Asian, 0.97%; 6 homozygotes.

Submission:

CeGaT Center for Human Genetics Tuebingen
Classification: Likely benign. Last evaluated: 2025-12-01. Review status: criteria provided, single submitter. Criteria: CeGaT Center For Human Genetics Tuebingen Variant Classification Criteria Version 2. Collection method: clinical testing. Allele origin: germline. Affected: yes. Observed: 3 variant alleles.
Comment: PRAMEF17: BP4, BP7

NM_001099851.3(PRAMEF17):c.1095G>A (p.Gln365=)

Gene: PRAMEF17 (PRAME family member 17; plus strand). Cytogenetic location: 1p36.21.
Variant type: single nucleotide variant.
Coding change: c.1095G>A on transcript NM_001099851.3 (MANE Select); coding-DNA position 1095, G replaced by A.
Protein change: p.Gln365=; no amino-acid change (glutamine 365 retained).
Molecular consequence: synonymous variant.
Genome position (GRCh38, 1-based): chr1:13,392,172, G>A. VCF-style: chr1-13392172-G-A. GRCh37 (hg19) VCF-style: chr1-13718632-G-A.
Identifiers: ClinVar variation 2638286 (VCV002638286.24), dbSNP rs201454937, ClinGen allele CA609170.